The following is an entry in ClinVar:

NM_004656.4(BAP1):c.1022G>C (p.Ser341Thr)

Gene: BAP1 (BRCA1 associated deubiquitinase 1; minus strand). Cytogenetic location: 3p21.1.
Variant type: single nucleotide variant.
Coding change: c.1022G>C on transcript NM_004656.4 (MANE Select); coding-DNA position 1022, G replaced by C.
Protein change: p.Ser341Thr; replaces serine 341 with threonine.
Molecular consequence: missense variant.
Genome position (GRCh38, 1-based): chr3:52,405,204, C>G on the plus strand (G>C on the coding strand, the complement: BAP1 is on the minus strand). VCF-style: chr3-52405204-C-G. GRCh37 (hg19) VCF-style: chr3-52439220-C-G.
Other names: c.968G>C, p.Ser323Thr (NM_001410772.1); short protein forms S323T, S341T.
Identifiers: ClinVar variation 3477329 (VCV003477329.3).

ClinVar aggregate classification (germline): Conflicting classifications of pathogenicity. Review status: criteria provided, conflicting classifications (1 of 4 stars). 2 submissions from 2 submitters: Uncertain significance (1); Likely benign (1). Last evaluated 2024-08-09.

Conditions:
BAP1-related tumor predisposition syndrome (TPDS1). Also called: COMMON Syndrome; TUMOR PREDISPOSITION SYNDROME 1; BAP1 tumor predisposition syndrome; Tumor susceptibility linked to germline BAP1 mutations. Identifiers: Orphanet 289539, MedGen C3280492, MONDO:0013692, OMIM 614327.
Hereditary cancer-predisposing syndrome. Also called: Tumor predisposition; Neoplastic Syndromes, Hereditary; Hereditary neoplastic syndrome; Hereditary Cancer Syndrome. Identifiers: Orphanet 140162, MedGen C0027672, MeSH D009386, MONDO:0015356.

Submissions (2):

Ambry Genetics
Classification: Likely benign for Hereditary cancer-predisposing syndrome. Last evaluated: 2024-08-09. Review status: criteria provided, single submitter. Criteria: Ambry Variant Classification Scheme 2023. Collection method: clinical testing. Allele origin: germline.

Labcorp Genetics (formerly Invitae), Labcorp
Classification: Uncertain significance for BAP1-related tumor predisposition syndrome. Last evaluated: 2024-08-09. Review status: criteria provided, single submitter. Criteria: Invitae Variant Classification Sherloc (09022015). Collection method: clinical testing. Allele origin: germline.
Comment: This sequence change replaces serine, which is neutral and polar, with threonine, which is neutral and polar, at codon 341 of the BAP1 protein (p.Ser341Thr). This variant is not present in population databases (gnomAD no frequency). This variant has not been reported in the literature in individuals affected with BAP1-related conditions. Advanced modeling of protein sequence and biophysical properties (such as structural, functional, and spatial information, amino acid conservation, physicochemical variation, residue mobility, and thermodynamic stability) performed at Invitae indicates that this missense variant is not expected to disrupt BAP1 protein function with a negative predictive value of 80%. In summary, the available evidence is currently insufficient to determine the role of this variant in disease. Therefore, it has been classified as a Variant of Uncertain Significance.